The following is an entry in ClinVar:

NM_001999.4(FBN2):c.1240C>G (p.Arg414Gly)

Gene: FBN2 (fibrillin 2; minus strand). Cytogenetic location: 5q23.3.
Variant type: single nucleotide variant.
Coding change: c.1240C>G on transcript NM_001999.4 (MANE Select); coding-DNA position 1240, C replaced by G.
Protein change: p.Arg414Gly; replaces arginine 414 with glycine.
Molecular consequence: missense variant.
Genome position (GRCh38, 1-based): chr5:128,393,360, G>C on the plus strand (C>G on the coding strand, the complement: FBN2 is on the minus strand). VCF-style: chr5-128393360-G-C. GRCh37 (hg19) VCF-style: chr5-127729053-G-C.
Other names: short protein forms R414G.
Identifiers: ClinVar variation 3900345 (VCV003900345.3).

ClinVar aggregate classification (germline): Uncertain significance. Review status: criteria provided, multiple submitters, no conflicts (2 of 4 stars). 2 submissions from 2 submitters: Uncertain significance (2). Last evaluated 2026-07-02.

Conditions:
Familial thoracic aortic aneurysm and aortic dissection (TAAD). Also called: Thoracic aortic aneurysms and dissections. Identifiers: Orphanet 91387, MedGen C4707243, MONDO:0019625.

gnomAD v4.1: 1 of 1,613,862 alleles (0.000062%); highest among the groups gnomAD compares: Non-Finnish European, 0.000085%; no homozygotes.

Submissions (2):

Ambry Genetics
Classification: Uncertain significance for Familial thoracic aortic aneurysm and aortic dissection. Last evaluated: 2026-07-02. Review status: criteria provided, single submitter. Criteria: Ambry Variant Classification Scheme 2023. Collection method: clinical testing. Allele origin: germline.

GeneDx
Classification: Uncertain significance. Last evaluated: 2025-05-29. Review status: criteria provided, single submitter. Criteria: GeneDx Variant Classification Process June 2021. Collection method: clinical testing. Allele origin: germline.
Comment: Not observed at significant frequency in large population cohorts (gnomAD); In silico analysis supports that this missense variant has a deleterious effect on protein structure/function; Has not been previously published as pathogenic or benign to our knowledge